The following is an entry in ClinVar:

ClinVar aggregate classification (germline): Likely pathogenic (1 of 4 stars; one submission).

Conditions:
Congenital neutropenia-myelofibrosis-nephromegaly syndrome. Also called: Severe congenital neutropenia 5, autosomal recessive. Identifiers: Orphanet 369852, MedGen C3809031, MONDO:0014118, OMIM 615285.

gnomAD v4.1: 15 of 1,612,982 alleles (0.00093%); highest among the groups gnomAD compares: Non-Finnish European, 0.0012%; no homozygotes.

Submission:

Natera, Inc.
Classification: Likely pathogenic for Autosomal recessive severe congenital neutropenia 5. Last evaluated: 2024-02-25. Review status: criteria provided, single submitter. Criteria: Natera Variant Classification Schema (03/2026). Collection method: clinical testing. Allele origin: germline.
Comment: The c.1257T>G variant in VPS45 is a nonsense variant predicted to introduce a stop codon at amino acid 419. This variant is expected to result in nonsense mediated decay, truncation, or a dysfunctional protein product. This variant is rare in the general population with a frequency below the threshold expected for the associated phenotype(s). Given the available evidence, this variant is classified as Likely Pathogenic.

NM_007259.5(VPS45):c.1257T>G (p.Tyr419Ter)

Gene: VPS45 (vacuolar protein sorting 45 homolog; plus strand). Cytogenetic location: 1q21.2.
Variant type: single nucleotide variant.
Coding change: c.1257T>G on transcript NM_007259.5 (MANE Select); coding-DNA position 1257, T replaced by G.
Protein change: p.Tyr419Ter; replaces tyrosine 419 with a stop codon.
Molecular consequence: nonsense. On other transcripts: non-coding transcript variant (1).
Genome position (GRCh38, 1-based): chr1:150,092,089, T>G. VCF-style: chr1-150092089-T-G. GRCh37 (hg19) VCF-style: chr1-150064183-T-G.
Other names: c.942T>G, p.Tyr314Ter (NM_001279353.2); c.1149T>G, p.Tyr383Ter (NM_001279354.2); short protein forms Y314*, Y383*, Y419*.
Identifiers: ClinVar variation 4815524 (VCV004815524.1).
Genomic context (GRCh38, chr1:150,092,089, plus strand): 5'-CAGCAATAGCCTGCCAGGACTAATGATGGACCTCAGGAATAAAGGTGTTTCTGAGAAGTA[T>G]CGAAAGGTAACCAGTTTCCATATTAGCCCACCAAACAGGAACCAACTCTGTTATTATATT-3'